The following is an entry in ClinVar:

ClinVar aggregate classification (germline): Likely benign (1 of 4 stars; one submission).

Allele frequency attached by ClinVar (database versions not stated): 1000 Genomes Project 0.00399; 1000 Genomes Project 30x 0.00422; TOPMed 0.00431; gnomAD 0.00602; ESP Exome Variant Server 0.00616; gnomAD exomes 0.00776; ExAC 0.01316.
gnomAD v4.1: 11,765 of 1,577,032 alleles (0.75%); highest among the groups gnomAD compares: Non-Finnish European, 0.86%; 73 homozygotes.

Submission:

CeGaT Center for Human Genetics Tuebingen
Classification: Likely benign. Last evaluated: 2022-09-01. Review status: criteria provided, single submitter. Criteria: CeGaT Center For Human Genetics Tuebingen Variant Classification Criteria Version 2. Collection method: clinical testing. Allele origin: germline. Affected: yes. Observed: 1 variant allele.
Comment: RHPN1: BP4, BP7

NM_052924.3(RHPN1):c.1299G>A (p.Val433=)

Gene: RHPN1 (rhophilin Rho GTPase binding protein 1; plus strand). Cytogenetic location: 8q24.3.
Variant type: single nucleotide variant.
Coding change: c.1299G>A on transcript NM_052924.3 (MANE Select); coding-DNA position 1299, G replaced by A.
Protein change: p.Val433=; no amino-acid change (valine 433 retained).
Molecular consequence: synonymous variant.
Genome position (GRCh38, 1-based): chr8:143,380,671, G>A. VCF-style: chr8-143380671-G-A. GRCh37 (hg19) VCF-style: chr8-144462841-G-A.
Identifiers: ClinVar variation 2658894 (VCV002658894.24), dbSNP rs117282246, ClinGen allele CA4909567.